The following is an entry in ClinVar:

NM_006922.4(SCN3A):c.3724T>C (p.Tyr1242His)

Gene: SCN3A (sodium voltage-gated channel alpha subunit 3; minus strand). Cytogenetic location: 2q24.3.
Variant type: single nucleotide variant.
Coding change: c.3724T>C on transcript NM_006922.4 (MANE Select); coding-DNA position 3724, T replaced by C.
Protein change: p.Tyr1242His; replaces tyrosine 1242 with histidine.
Molecular consequence: missense variant.
Genome position (GRCh38, 1-based): chr2:165,113,004, A>G on the plus strand (T>C on the coding strand, the complement: SCN3A is on the minus strand). VCF-style: chr2-165113004-A-G. GRCh37 (hg19) VCF-style: chr2-165969514-A-G.
Other names: c.3577T>C, p.Tyr1193His (NM_001081676.2, NM_001081677.2); short protein forms Y1193H, Y1242H.
Identifiers: ClinVar variation 1307070 (VCV001307070.2), dbSNP rs1348671298, ClinGen allele CA349032630.

ClinVar aggregate classification (germline): Uncertain significance (1 of 4 stars; one submission).

Allele frequency attached by ClinVar (database versions not stated): gnomAD exomes below 0.00001; TOPMed below 0.00001.
gnomAD v4.1: 1 of 1,613,078 alleles (0.000062%); highest among the groups gnomAD compares: Non-Finnish European, 0.000085%; no homozygotes.

Submission:

GeneDx
Classification: Uncertain significance. Last evaluated: 2019-07-17. Review status: criteria provided, single submitter. Criteria: GeneDx Variant Classification Process June 2021. Collection method: clinical testing. Allele origin: germline. Affected: yes.
Comment: Not observed in large population cohorts (Lek et al., 2016); In silico analysis, which includes protein predictors and evolutionary conservation, supports a deleterious effect; Has not been previously published as pathogenic or benign to our knowledge